The following is an entry in ClinVar:

NM_015506.3(MMACHC):c.770C>T (p.Pro257Leu)

Gene: MMACHC (metabolism of cobalamin associated C; plus strand). Cytogenetic location: 1p34.1.
Variant type: single nucleotide variant.
Coding change: c.770C>T on transcript NM_015506.3 (MANE Select); coding-DNA position 770, C replaced by T.
Protein change: p.Pro257Leu; replaces proline 257 with leucine.
Molecular consequence: missense variant.
Genome position (GRCh38, 1-based): chr1:45,509,136, C>T. VCF-style: chr1-45509136-C-T. GRCh37 (hg19) VCF-style: chr1-45974808-C-T.
Other names: p.Pro257Leu; c.599C>T, p.Pro200Leu (NM_001330540.2); short protein forms P200L, P257L.
Identifiers: ClinVar variation 967885 (VCV000967885.12), dbSNP rs201601241, ClinGen allele CA827858.

ClinVar aggregate classification (germline): Uncertain significance. Review status: criteria provided, multiple submitters, no conflicts (2 of 4 stars). 6 submissions from 6 submitters: Uncertain significance (5). 1 of the submissions does not count toward it. Last evaluated 2024-05-15.

Conditions:
Cobalamin C disease. Also called: Methylmalonic aciduria and homocystinuria, Vitamin B12-responsive; Vitamin B12 metabolic defect with combined deficiency of methylmalonyl-CoA mutase and homocysteine:methyltetrahydrofolate methyltransferase; methylmalonic aciduria and homocystinuria type cblC; Cobalamin-C methylmalonic acidemia and homocystinuria; Methylmalonic acidemia and homocystinuria cblC type; Methylmalonic aciduria with homocystinuria cblC type. Identifiers: Orphanet 26, Orphanet 79282, MedGen C1848561, MONDO:0010184, OMIM 277400.

Allele frequency attached by ClinVar (database versions not stated): ExAC 0.00006; ESP Exome Variant Server 0.00008; gnomAD exomes 0.00009 and 0.00021; gnomAD 0.00012 and 0.00014; TOPMed 0.00014.

Submissions (6):

Fulgent Genetics
Classification: Uncertain significance for Cobalamin C disease. Last evaluated: 2024-05-15. Review status: criteria provided, single submitter. Criteria: ACMG Guidelines, 2015. Collection method: clinical testing. Allele origin: germline.

Blueprint Genetics
Classification: Uncertain significance. Last evaluated: 2024-03-14. Review status: criteria provided, single submitter. Criteria: ACMG Guidelines, 2015. Collection method: clinical testing. Allele origin: germline.

Mayo Clinic Laboratories, Mayo Clinic
Classification: Uncertain significance. Last evaluated: 2022-12-22. Review status: criteria provided, single submitter. Criteria: ACMG Guidelines, 2015. Collection method: clinical testing. Allele origin: germline. Observed: 1 variant allele.
Comment: BP4

Labcorp Genetics (formerly Invitae), Labcorp
Classification: Uncertain significance for Cobalamin C disease. Last evaluated: 2022-10-24. Review status: criteria provided, single submitter. Criteria: Invitae Variant Classification Sherloc (09022015). Collection method: clinical testing. Allele origin: germline.
Comment: This sequence change replaces proline, which is neutral and non-polar, with leucine, which is neutral and non-polar, at codon 257 of the MMACHC protein (p.Pro257Leu). This variant is present in population databases (rs201601241, gnomAD 0.02%). This variant has not been reported in the literature in individuals affected with MMACHC-related conditions. ClinVar contains an entry for this variant (Variation ID: 967885). Advanced modeling of protein sequence and biophysical properties (such as structural, functional, and spatial information, amino acid conservation, physicochemical variation, residue mobility, and thermodynamic stability) performed at Invitae indicates that this missense variant is not expected to disrupt MMACHC protein function. In summary, the available evidence is currently insufficient to determine the role of this variant in disease. Therefore, it has been classified as a Variant of Uncertain Significance.

Breakthrough Genomics
Classification: Uncertain significance. Review status: criteria provided, single submitter. Criteria: ACMG Guidelines, 2015. Collection method: not provided. Allele origin: germline. Inheritance: Autosomal recessive inheritance. Affected: yes.

Natera, Inc.
Classification: Uncertain significance for Methylmalonic aciduria and homocystinuria cblC type. Last evaluated: 2018-06-05. Review status: no assertion criteria provided. Collection method: clinical testing. Allele origin: germline. Not counted in ClinVar's aggregate classification.